The following is an entry in ClinVar:

ClinVar aggregate classification (germline): Conflicting classifications of pathogenicity. Review status: criteria provided, conflicting classifications (1 of 4 stars). 4 submissions from 4 submitters: Uncertain significance (1); Likely benign (2). 1 of the submissions does not count toward it. Last evaluated 2026-06-01.

Conditions:
Autosomal recessive polycystic kidney disease (ARPKD). Also called: AR polycystic kidney disease. Identifiers: Orphanet 731, Orphanet 8378, MedGen C0085548, MeSH D017044, MONDO:0009889.

Allele frequency attached by ClinVar (database versions not stated): 1000 Genomes Project 30x 0.00016.
gnomAD v4.1: 75 of 1,614,112 alleles (0.0046%); highest among the groups gnomAD compares: African/African-American, 0.085%; 1 homozygote.

Submissions (4):

CeGaT Center for Human Genetics Tuebingen
Classification: Likely benign. Last evaluated: 2026-06-01. Review status: criteria provided, single submitter. Criteria: CeGaT Center For Human Genetics Tuebingen Variant Classification Criteria Version 2. Collection method: clinical testing. Allele origin: germline. Affected: yes. Observed: 1 variant allele.
Comment: PKHD1: BP4, BP7

Labcorp Genetics (formerly Invitae), Labcorp
Classification: Likely benign for Autosomal recessive polycystic kidney disease. Last evaluated: 2026-01-19. Review status: criteria provided, single submitter. Criteria: Invitae Variant Classification Sherloc (09022015). Collection method: clinical testing. Allele origin: germline.

Eurofins Ntd Llc (ga)
Classification: Uncertain significance. Last evaluated: 2017-07-17. Review status: criteria provided, single submitter. Criteria: EGL Classification Definitions 2015. Collection method: clinical testing. Allele origin: germline. Observed: 4 variant alleles, 4 heterozygotes.

Natera, Inc.
Classification: Likely benign for Autosomal recessive polycystic kidney disease. Last evaluated: 2020-09-16. Review status: no assertion criteria provided. Collection method: clinical testing. Allele origin: germline. Not counted in ClinVar's aggregate classification.

NM_138694.4(PKHD1):c.5199C>T (p.Thr1733=)

Genes: PKHD1 (PKHD1 ciliary IPT domain containing fibrocystin/polyductin; minus strand), LOC126859690 (MED14-independent group 3 enhancer GRCh37_chr6:51888848-51890047; plus strand). Cytogenetic location: 6p12.2.
Variant type: single nucleotide variant.
Coding change: c.5199C>T on transcript NM_138694.4 (MANE Select); coding-DNA position 5199, C replaced by T.
Protein change: p.Thr1733=; no amino-acid change (threonine 1733 retained).
Molecular consequence: synonymous variant.
Genome position (GRCh38, 1-based): chr6:52,024,611, G>A on the plus strand (C>T on the coding strand, the complement: PKHD1 is on the minus strand). VCF-style: chr6-52024611-G-A. GRCh37 (hg19) VCF-style: chr6-51889409-G-A.
Other names: c.5199C>T, p.Thr1733= (NM_170724.3).
Identifiers: ClinVar variation 289886 (VCV000289886.19), dbSNP rs148790132, ClinGen allele CA3852593.